The following is an entry in ClinVar:

ClinVar aggregate classification (germline): Likely pathogenic. Review status: criteria provided, multiple submitters, no conflicts (2 of 4 stars). 2 submissions from 2 submitters: Likely pathogenic (2). Last evaluated 2025-02-28.

Conditions:
Junctional epidermolysis bullosa. Identifiers: Orphanet 305, MedGen C0079301, MONDO:0017612.

Allele frequency attached by ClinVar (database versions not stated): TOPMed below 0.00001; gnomAD 0.00001.
gnomAD v4.1: 1 of 1,612,624 alleles (0.000062%); highest among the groups gnomAD compares: Non-Finnish European, 0.000085%; no homozygotes.

Submissions (2):

Myriad Genetics, Inc.
Classification: Likely pathogenic for Junctional epidermolysis bullosa. Last evaluated: 2025-02-28. Review status: criteria provided, single submitter. Criteria: Myriad Autosomal Dominant, Autosomal Recessive and X-Linked Classification Criteria (2023). Collection method: clinical testing. Allele origin: unknown.
Comment: NM_000227.3(LAMA3):c.1646+2T>A is a variant in a canonical splice site classified as likely pathogenic in the context of junctional epidermolysis bullosa, LAMA3-related. c.1646+2T>A has been observed in a case with relevant disease (PMID: 16473856). Relevant functional assessments of this variant are not available in the literature. c.1646+2T>A has not been observed in referenced population frequency databases. In summary, NM_000227.3(LAMA3):c.1646+2T>A is a variant in a canonical splice site in a gene where loss of function is a known mechanism of disease, is predicted to disrupt protein function, and has been observed more frequently in cases with the relevant disease than in healthy populations. Please note: this variant was assessed in the context of healthy population screening.

Labcorp Genetics (formerly Invitae), Labcorp
Classification: Likely pathogenic. Last evaluated: 2023-08-18. Review status: criteria provided, single submitter. Criteria: Invitae Variant Classification Sherloc (09022015). Collection method: clinical testing. Allele origin: germline.
Comment: Disruption of this splice site has been observed in individual(s) with autosomal recessive junctional epidermolysis bullosa (PMID: 16473856). This sequence change affects a donor splice site in intron 13 of the LAMA3 gene. It is expected to disrupt RNA splicing. Variants that disrupt the donor or acceptor splice site typically lead to a loss of protein function (PMID: 16199547), and loss-of-function variants in LAMA3 are known to be pathogenic (PMID: 10366601, 11810295, 12915477, 16473856, 17362460, 22434185, 23869449, 27827380, 28087116). This variant is not present in population databases (gnomAD no frequency). ClinVar contains an entry for this variant (Variation ID: 2138140). Algorithms developed to predict the effect of sequence changes on RNA splicing suggest that this variant may disrupt the consensus splice site. In summary, the currently available evidence indicates that the variant is pathogenic, but additional data are needed to prove that conclusively. Therefore, this variant has been classified as Likely Pathogenic.

Literature cited by the submitters: PubMed 16473856 (cited by Myriad Genetics, Inc. and Labcorp Genetics (formerly Invitae), Labcorp); PubMed 16199547 (cited by Labcorp Genetics (formerly Invitae), Labcorp); PubMed 10366601 (cited by Labcorp Genetics (formerly Invitae), Labcorp); PubMed 11810295 (cited by Labcorp Genetics (formerly Invitae), Labcorp); PubMed 12915477 (cited by Labcorp Genetics (formerly Invitae), Labcorp); PubMed 17362460 (cited by Labcorp Genetics (formerly Invitae), Labcorp); PubMed 22434185 (cited by Labcorp Genetics (formerly Invitae), Labcorp); PubMed 23869449 (cited by Labcorp Genetics (formerly Invitae), Labcorp); PubMed 27827380 (cited by Labcorp Genetics (formerly Invitae), Labcorp); PubMed 28087116 (cited by Labcorp Genetics (formerly Invitae), Labcorp).

NM_198129.4(LAMA3):c.6473+2T>A

Gene: LAMA3 (laminin subunit alpha 3; plus strand). Cytogenetic location: 18q11.2.
Variant type: single nucleotide variant.
Coding change: c.6473+2T>A on transcript NM_198129.4 (MANE Select); the canonical splice donor site of the intron after coding-DNA position 6473, T replaced by A.
Molecular consequence: splice donor variant.
Genome position (GRCh38, 1-based): chr18:23,904,089, T>A. VCF-style: chr18-23904089-T-A. GRCh37 (hg19) VCF-style: chr18-21484053-T-A.
Other names: c.6305+2T>A (NM_001127717.4); c.1646+2T>A (NM_000227.6); c.1478+2T>A (NM_001127718.4).
Identifiers: ClinVar variation 2138140 (VCV002138140.5), dbSNP rs1275015633, ClinGen allele CA402050285.
Genomic context (GRCh38, chr18:23,904,089, plus strand): 5'-GTGGAGGAGGCAGAAAAGCACGCGCGGTCCTTACAAGAGCTGGCAAAGCAGCTGGAAGAG[T>A]GAGTGCATGGCCCAGGAGACCAGAAGGGCACGTGGGCTGAGCTCAGCAGCTTGTCCTGAG-3'